The following is an entry in ClinVar:

ClinVar aggregate classification (germline): Uncertain significance. Review status: criteria provided, multiple submitters, no conflicts (2 of 4 stars). 3 submissions from 3 submitters: Uncertain significance (3). Last evaluated 2025-04-30.

Conditions:
Inborn genetic diseases. Identifiers: MedGen C0950123, MeSH D030342.

Allele frequency attached by ClinVar (database versions not stated): gnomAD exomes below 0.00001; gnomAD 0.00001; TOPMed 0.00001.
gnomAD v4.1: 8 of 1,614,096 alleles (0.0005%); highest among the groups gnomAD compares: South Asian, 0.0011%; no homozygotes.

Submissions (3):

GeneDx
Classification: Uncertain significance. Last evaluated: 2025-04-30. Review status: criteria provided, single submitter. Criteria: GeneDx Variant Classification Process June 2021. Collection method: clinical testing. Allele origin: germline. Affected: yes.
Comment: In silico analysis supports that this missense variant has a deleterious effect on protein structure/function; Has not been previously published as pathogenic or benign to our knowledge

Labcorp Genetics (formerly Invitae), Labcorp
Classification: Uncertain significance. Last evaluated: 2024-06-22. Review status: criteria provided, single submitter. Criteria: Invitae Variant Classification Sherloc (09022015). Collection method: clinical testing. Allele origin: germline.
Comment: This sequence change replaces tyrosine, which is neutral and polar, with cysteine, which is neutral and slightly polar, at codon 173 of the NCSTN protein (p.Tyr173Cys). This variant is present in population databases (no rsID available, gnomAD 0.0009%). This variant has not been reported in the literature in individuals affected with NCSTN-related conditions. ClinVar contains an entry for this variant (Variation ID: 2215667). Advanced modeling of protein sequence and biophysical properties (such as structural, functional, and spatial information, amino acid conservation, physicochemical variation, residue mobility, and thermodynamic stability) performed at Invitae indicates that this missense variant is expected to disrupt NCSTN protein function with a positive predictive value of 80%. In summary, the available evidence is currently insufficient to determine the role of this variant in disease. Therefore, it has been classified as a Variant of Uncertain Significance.

Ambry Genetics
Classification: Uncertain significance for Inborn genetic diseases. Last evaluated: 2021-12-14. Review status: criteria provided, single submitter. Criteria: Ambry Variant Classification Scheme 2023. Collection method: clinical testing. Allele origin: germline.
Comment: The c.518A>G (p.Y173C) alteration is located in exon 5 (coding exon 5) of the NCSTN gene. This alteration results from an A to G substitution at nucleotide position 518, causing the tyrosine (Y) at amino acid position 173 to be replaced by a cysteine (C). This allele was reported in one heterozygous individual in population-based cohorts in the Genome Aggregation Database (gnomAD). This amino acid position is highly conserved in available vertebrate species. This alteration is predicted to be deleterious by in silico analysis. Based on insufficient or conflicting evidence, the clinical significance of this alteration remains unclear.

NM_015331.3(NCSTN):c.518A>G (p.Tyr173Cys)

Gene: NCSTN (nicastrin; plus strand). Cytogenetic location: 1q23.2.
Variant type: single nucleotide variant.
Coding change: c.518A>G on transcript NM_015331.3 (MANE Select); coding-DNA position 518, A replaced by G.
Protein change: p.Tyr173Cys; replaces tyrosine 173 with cysteine.
Molecular consequence: missense variant.
Genome position (GRCh38, 1-based): chr1:160,350,186, A>G. VCF-style: chr1-160350186-A-G. GRCh37 (hg19) VCF-style: chr1-160319976-A-G.
Other names: c.458A>G, p.Tyr153Cys (NM_001290184.2); c.518A>G, p.Tyr173Cys (NM_001290186.2, NM_001349729.2); short protein forms Y153C, Y173C.
Identifiers: ClinVar variation 2215667 (VCV002215667.6), dbSNP rs1303170011, ClinGen allele CA343277828.